The following is an entry in ClinVar:

NM_000038.6(APC):c.1315_1316dup (p.Ala440fs)

Gene: APC (APC regulator of Wnt signaling pathway; plus strand). Cytogenetic location: 5q22.2.
Variant type: Duplication.
Coding change: c.1315_1316dup on transcript NM_000038.6 (MANE Select); coding-DNA positions 1315 to 1316, 2 bases duplicated (CC; older notation c.1315_1316dupCC).
Protein change: p.Ala440fs; shifts the reading frame from alanine 440.
Molecular consequence: frameshift variant. On other transcripts: non-coding transcript variant (2).
Genome position (GRCh38, 1-based): chr5:112,821,898-112,821,899, CC duplicated. VCF-style (leftmost placement, unchanged base first): chr5-112821897-G-GCC. GRCh37 (hg19) VCF-style: chr5-112157594-G-GCC.
Other names: c.1315_1316dup, p.Ala440fs (NM_001127510.3, NM_001354895.2, NM_001354896.2 and 4 more transcripts); c.1261_1262dup, p.Ala422fs (NM_001127511.3); c.1345_1346dup, p.Ala450fs (NM_001354897.2, NM_001407446.1); c.1240_1241dup, p.Ala415fs (NM_001354898.2, NM_001407451.1); c.1231_1232dup, p.Ala412fs (NM_001354899.2, NM_001407452.1); c.1138_1139dup, p.Ala381fs (NM_001354900.2, NM_001354901.2, NM_001407453.1); c.1042_1043dup, p.Ala349fs (NM_001354902.2); c.1012_1013dup, p.Ala339fs (NM_001354903.2, NM_001407454.1, NM_001407455.1 and 5 more transcripts); and 5 more; short protein forms A157fs, A280fs, A311fs, A314fs, A339fs, A349fs, A381fs, A412fs.
Identifiers: ClinVar variation 4529508 (VCV004529508.1).

ClinVar aggregate classification (germline): Pathogenic (1 of 4 stars; one submission).

Conditions:
Familial adenomatous polyposis 1 (FAP1). Also called: FAMILIAL ADENOMATOUS POLYPOSIS 1, ATTENUATED; POLYPOSIS, ADENOMATOUS INTESTINAL. Identifiers: MedGen C2713442, MONDO:0021056, OMIM 175100. Disease mechanism: loss of function.

Submission:

Laboratory of Human Molecular Genetics, Federal University of Alagoas
Classification: Pathogenic for Familial adenomatous polyposis 1. Last evaluated: 2023-05-22. Review status: criteria provided, single submitter. Criteria: ACMG Guidelines, 2015. Collection method: research. Allele origin: germline. Inheritance: Autosomal dominant inheritance. Affected: yes. Observed: 1 heterozygote.
Comment: The heterozygous variant c.1315_1316dup (transcript NM_000038) was detected in the APC gene. This alteration leads to the replacement of the amino acid alanine with glutamine at codon 440 and causes a frameshift, resulting in the generation of a premature stop codon (p.Ala440Glnfs*15). Pathogenic variants in the APC gene are associated with a high risk of colorectal cancer. There is also an increased susceptibility to other tumors, including those of the duodenum, thyroid, and stomach. Additionally, pilomatricomas and central nervous system tumors have been described in some families. During childhood, there is an elevated risk of developing hepatoblastoma.

Literature cited by the submitters: PubMed 20685668; PubMed 11247896.